The following is an entry in ClinVar:

ClinVar aggregate classification (germline): Conflicting classifications of pathogenicity. Review status: criteria provided, conflicting classifications (1 of 4 stars). 2 submissions from 2 submitters: Uncertain significance (1); Benign (1). Last evaluated 2024-10-21.

Conditions:
Cohen syndrome (COH1). Also called: PEPPER SYNDROME; Cutis verticis gyrata, retinitis pigmentosa, and sensorineural deafness. Identifiers: Orphanet 193, MedGen C0265223, MONDO:0008999, OMIM 216550.

Allele frequency attached by ClinVar (database versions not stated): gnomAD exomes below 0.00001; ExAC 0.00001; gnomAD 0.00001.
gnomAD v4.1: 3 of 1,614,054 alleles (0.00019%); highest among the groups gnomAD compares: Non-Finnish European, 0.00025%; no homozygotes.

Submissions (2):

Labcorp Genetics (formerly Invitae), Labcorp
Classification: Benign for Cohen syndrome. Last evaluated: 2024-10-21. Review status: criteria provided, single submitter. Criteria: Invitae Variant Classification Sherloc (09022015). Collection method: clinical testing. Allele origin: germline.

GeneDx
Classification: Uncertain significance. Last evaluated: 2024-04-15. Review status: criteria provided, single submitter. Criteria: GeneDx Variant Classification Process June 2021. Collection method: clinical testing. Allele origin: germline. Affected: yes.
Comment: Not observed at significant frequency in large population cohorts (gnomAD); In silico analysis indicates that this missense variant does not alter protein structure/function; Has not been previously published as pathogenic or benign to our knowledge

NM_152564.5(VPS13B):c.10220G>A (p.Gly3407Glu)

Gene: VPS13B (vacuolar protein sorting 13 homolog B; plus strand). Cytogenetic location: 8q22.2.
Variant type: single nucleotide variant.
Coding change: c.10220G>A on transcript NM_152564.5 (MANE Select); coding-DNA position 10220, G replaced by A.
Protein change: p.Gly3407Glu; replaces glycine 3407 with glutamic acid.
Molecular consequence: missense variant.
Genome position (GRCh38, 1-based): chr8:99,853,609, G>A. VCF-style: chr8-99853609-G-A. GRCh37 (hg19) VCF-style: chr8-100865837-G-A.
Other names: c.10295G>A (NM_017890.3); c.10295G>A, p.Gly3432Glu (NM_017890.5); short protein forms G3407E, G3432E.
Identifiers: ClinVar variation 1002328 (VCV001002328.6), dbSNP rs779782582, ClinGen allele CA4824912.
Genomic context (GRCh38, chr8:99,853,609, plus strand): 5'-TGAGACTCACACTGGACAACATTTTTCTCTGTGTGGCCCCGGGAGCTGGTCCCCTCCCTG[G>A]GGAAGAGCCTGTGGCTGCGTTGTTTGAACTTTACTGTGTGGAGATCTGCTGTGGGGACCT-3'
Protein context (NP_689777.3, residues 3397-3417): CVAPGAGPLP[Gly3407Glu]EEPVAALFEL